The following is an entry in ClinVar:

ClinVar aggregate classification (germline): Likely benign (0 of 4 stars; one submission).

Conditions:
TNRC6B-related disorder. Also called: TNRC6B-related condition.

gnomAD v4.1: 1 of 1,591,892 alleles (0.000063%); no homozygotes.

Submission:

PreventionGenetics, part of Exact Sciences
Classification: Likely benign for TNRC6B-related condition. Last evaluated: 2022-07-26. Review status: no assertion criteria provided. Collection method: clinical testing. Allele origin: germline.
Comment: This variant is classified as likely benign based on ACMG/AMP sequence variant interpretation guidelines (Richards et al. 2015 PMID: 25741868, with internal and published modifications).

NM_001162501.2(TNRC6B):c.165A>G (p.Pro55=)

Gene: TNRC6B (trinucleotide repeat containing adaptor 6B; plus strand). Cytogenetic location: 22q13.1.
Variant type: single nucleotide variant.
Coding change: c.165A>G on transcript NM_001162501.2 (MANE Select); coding-DNA position 165, A replaced by G.
Protein change: p.Pro55=; no amino-acid change (proline 55 retained).
Molecular consequence: synonymous variant.
Genome position (GRCh38, 1-based): chr22:40,261,881, A>G. VCF-style: chr22-40261881-A-G. GRCh37 (hg19) VCF-style: chr22-40657885-A-G.
Other names: c.273A>G, p.Pro91= (NM_001024843.2); c.165A>G, p.Pro55= (NM_015088.3).
Identifiers: ClinVar variation 3044680 (VCV003044680.2), dbSNP rs2517980387, ClinGen allele CA514787494.